The following is an entry in ClinVar:

ClinVar aggregate classification (germline): Uncertain significance (1 of 4 stars; one submission).

Allele frequency attached by ClinVar (database versions not stated): TOPMed 0.00001; ExAC 0.00002; gnomAD exomes 0.00002 and 0.00004.
gnomAD v4.1: 13 of 1,614,104 alleles (0.00081%); highest among the groups gnomAD compares: Admixed American, 0.022%; no homozygotes.

Submission:

Labcorp Genetics (formerly Invitae), Labcorp
Classification: Uncertain significance. Last evaluated: 2024-10-16. Review status: criteria provided, single submitter. Criteria: Invitae Variant Classification Sherloc (09022015). Collection method: clinical testing. Allele origin: germline.
Comment: This sequence change replaces leucine, which is neutral and non-polar, with valine, which is neutral and non-polar, at codon 666 of the MYH7B protein (p.Leu666Val). This variant is present in population databases (rs772981095, gnomAD 0.03%). This variant has not been reported in the literature in individuals affected with MYH7B-related conditions. ClinVar contains an entry for this variant (Variation ID: 1409436). Invitae Evidence Modeling of protein sequence and biophysical properties (such as structural, functional, and spatial information, amino acid conservation, physicochemical variation, residue mobility, and thermodynamic stability) indicates that this missense variant is not expected to disrupt MYH7B protein function with a negative predictive value of 80%. In summary, the available evidence is currently insufficient to determine the role of this variant in disease. Therefore, it has been classified as a Variant of Uncertain Significance.

NM_020884.7(MYH7B):c.1870C>G (p.Leu624Val)

Gene: MYH7B (myosin heavy chain 7B; plus strand). Cytogenetic location: 20q11.22.
Variant type: single nucleotide variant.
Coding change: c.1870C>G on transcript NM_020884.7 (MANE Select); coding-DNA position 1870, C replaced by G.
Protein change: p.Leu624Val; replaces leucine 624 with valine.
Molecular consequence: missense variant.
Genome position (GRCh38, 1-based): chr20:34,990,116, C>G. VCF-style: chr20-34990116-C-G. GRCh37 (hg19) VCF-style: chr20-33577919-C-G.
Other names: short protein forms L624V.
Identifiers: ClinVar variation 1409436 (VCV001409436.8), dbSNP rs772981095, ClinGen allele CA9827083.